The following is an entry in ClinVar:

ClinVar aggregate classification (germline): Conflicting classifications of pathogenicity. Review status: criteria provided, conflicting classifications (1 of 4 stars). 4 submissions from 4 submitters: Uncertain significance (3); Likely benign (1). Last evaluated 2025-11-06.

Conditions:
Hereditary cancer-predisposing syndrome. Also called: Hereditary neoplastic syndrome; Neoplastic Syndromes, Hereditary; Tumor predisposition; Hereditary Cancer Syndrome. Identifiers: Orphanet 140162, MedGen C0027672, MeSH D009386, MONDO:0015356.
Ataxia-telangiectasia syndrome (AT). Also called: Ataxia telangiectasia (A-T); LOUIS-BAR SYNDROME; Cerebello-oculocutaneous telangiectasia; Immunodeficiency with ataxia telangiectasia; Ataxia-telangiectasia, complementation group D; AT, COMPLEMENTATION GROUP C. Identifiers: Orphanet 100, MedGen C0004135, MONDO:0008840, OMIM 208900.
Familial cancer of breast. Also called: Hereditary breast cancer; hereditary breast carcinoma; BREAST CANCER, FAMILIAL. Identifiers: Orphanet 227535, MedGen C0346153, MONDO:0016419, OMIM 114480. Disease mechanism: loss of function.

Allele frequency attached by ClinVar (database versions not stated): gnomAD 0.00001; TOPMed 0.00001.
gnomAD v4.1: 1 of 1,611,840 alleles (0.000062%); highest among the groups gnomAD compares: African/African-American, 0.0013%; no homozygotes.

Submissions (4):

Quest Diagnostics Nichols Institute San Juan Capistrano
Classification: Uncertain significance. Last evaluated: 2025-11-06. Review status: criteria provided, single submitter. Criteria: Quest Diagnostics criteria. Collection method: clinical testing. Allele origin: unknown.

Baylor Genetics
Classification: Uncertain significance for Familial cancer of breast. Last evaluated: 2023-10-04. Review status: criteria provided, single submitter. Criteria: ACMG Guidelines, 2015. Collection method: clinical testing. Allele origin: unknown.

Labcorp Genetics (formerly Invitae), Labcorp
Classification: Uncertain significance for Ataxia-telangiectasia syndrome. Last evaluated: 2023-05-25. Review status: criteria provided, single submitter. Criteria: Invitae Variant Classification Sherloc (09022015). Collection method: clinical testing. Allele origin: germline.
Comment: In summary, the available evidence is currently insufficient to determine the role of this variant in disease. Therefore, it has been classified as a Variant of Uncertain Significance. Algorithms developed to predict the effect of missense changes on protein structure and function output the following: SIFT: "Not Available"; PolyPhen-2: "Benign"; Align-GVGD: "Not Available". The arginine amino acid residue is found in multiple mammalian species, which suggests that this missense change does not adversely affect protein function. ClinVar contains an entry for this variant (Variation ID: 407732). This variant has not been reported in the literature in individuals affected with ATM-related conditions. This variant is present in population databases (no rsID available, gnomAD 0.007%). This sequence change replaces lysine, which is basic and polar, with arginine, which is basic and polar, at codon 820 of the ATM protein (p.Lys820Arg).

Ambry Genetics
Classification: Likely benign for Hereditary cancer-predisposing syndrome. Last evaluated: 2022-01-02. Review status: criteria provided, single submitter. Criteria: Ambry Variant Classification Scheme 2023. Collection method: clinical testing. Allele origin: germline.

NM_000051.4(ATM):c.2459A>G (p.Lys820Arg)

Gene: ATM (ATM serine/threonine kinase; plus strand). Cytogenetic location: 11q22.3.
Variant type: single nucleotide variant.
Coding change: c.2459A>G on transcript NM_000051.4 (MANE Select); coding-DNA position 2459, A replaced by G.
Protein change: p.Lys820Arg; replaces lysine 820 with arginine.
Molecular consequence: missense variant.
Genome position (GRCh38, 1-based): chr11:108,259,068, A>G. VCF-style: chr11-108259068-A-G. GRCh37 (hg19) VCF-style: chr11-108129795-A-G.
Other names: c.2459A>G, p.Lys820Arg (NM_001351834.2); short protein forms K820R.
Identifiers: ClinVar variation 407732 (VCV000407732.15), dbSNP rs952566855, ClinGen allele CA16613280.